The following is an entry in ClinVar:

ClinVar aggregate classification (germline): Uncertain significance (1 of 4 stars; one submission).

Conditions:
Fanconi anemia (FA). Also called: Fanconi's anemia. Identifiers: Orphanet 84, MedGen C0015625, MeSH D005199, MONDO:0019391.

Allele frequency attached by ClinVar (database versions not stated): gnomAD exomes below 0.00001.
gnomAD v4.1: 1 of 1,614,206 alleles (0.000062%); highest among the groups gnomAD compares: Non-Finnish European, 0.000085%; no homozygotes.

Submission:

Labcorp Genetics (formerly Invitae), Labcorp
Classification: Uncertain significance for Fanconi anemia. Last evaluated: 2022-07-30. Review status: criteria provided, single submitter. Criteria: Invitae Variant Classification Sherloc (09022015). Collection method: clinical testing. Allele origin: germline.
Comment: This sequence change replaces threonine, which is neutral and polar, with alanine, which is neutral and non-polar, at codon 1090 of the SLX4 protein (p.Thr1090Ala). This variant is not present in population databases (gnomAD no frequency). This variant has not been reported in the literature in individuals affected with SLX4-related conditions. Algorithms developed to predict the effect of missense changes on protein structure and function output the following: SIFT: "Tolerated"; PolyPhen-2: "Benign"; Align-GVGD: "Class C0". The alanine amino acid residue is found in multiple mammalian species, which suggests that this missense change does not adversely affect protein function. In summary, the available evidence is currently insufficient to determine the role of this variant in disease. Therefore, it has been classified as a Variant of Uncertain Significance.

NM_032444.4(SLX4):c.3268A>G (p.Thr1090Ala)

Gene: SLX4 (SLX4 structure-specific endonuclease subunit; minus strand). Cytogenetic location: 16p13.3.
Variant type: single nucleotide variant.
Coding change: c.3268A>G on transcript NM_032444.4 (MANE Select); coding-DNA position 3268, A replaced by G.
Protein change: p.Thr1090Ala; replaces threonine 1090 with alanine.
Molecular consequence: missense variant.
Genome position (GRCh38, 1-based): chr16:3,590,370, T>C on the plus strand (A>G on the coding strand, the complement: SLX4 is on the minus strand). VCF-style: chr16-3590370-T-C. GRCh37 (hg19) VCF-style: chr16-3640371-T-C.
Other names: short protein forms T1090A.
Identifiers: ClinVar variation 2200047 (VCV002200047.4), dbSNP rs2548213068, ClinGen allele CA394520551.